The following is an entry in ClinVar:

ClinVar aggregate classification (germline): Uncertain significance. Review status: criteria provided, multiple submitters, no conflicts (2 of 4 stars). 2 submissions from 2 submitters: Uncertain significance (2). Last evaluated 2025-04-22.

Conditions:
Epileptic encephalopathy. Identifiers: MedGen C0543888, HP:0200134.

Allele frequency attached by ClinVar (database versions not stated): gnomAD exomes 0.00002; gnomAD 0.00003; ExAC 0.00004; TOPMed 0.00006; ESP Exome Variant Server 0.00008; 1000 Genomes Project 30x 0.00016; 1000 Genomes Project 0.00020.
gnomAD v4.1: 40 of 1,582,586 alleles (0.0025%); highest among the groups gnomAD compares: African/African-American, 0.011%; no homozygotes.

Submissions (2):

Labcorp Genetics (formerly Invitae), Labcorp
Classification: Uncertain significance for Epileptic encephalopathy. Last evaluated: 2025-04-22. Review status: criteria provided, single submitter. Criteria: Invitae Variant Classification Sherloc (09022015). Collection method: clinical testing. Allele origin: germline.
Comment: This sequence change replaces valine, which is neutral and non-polar, with isoleucine, which is neutral and non-polar, at codon 1651 of the FASN protein (p.Val1651Ile). This variant is present in population databases (rs368876740, gnomAD 0.02%). This variant has not been reported in the literature in individuals affected with FASN-related conditions. ClinVar contains an entry for this variant (Variation ID: 2513549). An algorithm developed to predict the effect of missense changes on protein structure and function (PolyPhen-2) suggests that this variant is likely to be disruptive. In summary, the available evidence is currently insufficient to determine the role of this variant in disease. Therefore, it has been classified as a Variant of Uncertain Significance.

Ambry Genetics
Classification: Uncertain significance. Last evaluated: 2023-05-25. Review status: criteria provided, single submitter. Criteria: Ambry Variant Classification Scheme 2023. Collection method: clinical testing. Allele origin: germline.

NM_004104.5(FASN):c.4951G>A (p.Val1651Ile)

Gene: FASN (fatty acid synthase; minus strand). Cytogenetic location: 17q25.3.
Variant type: single nucleotide variant.
Coding change: c.4951G>A on transcript NM_004104.5 (MANE Select); coding-DNA position 4951, G replaced by A.
Protein change: p.Val1651Ile; replaces valine 1651 with isoleucine.
Molecular consequence: missense variant.
Genome position (GRCh38, 1-based): chr17:82,084,122, C>T on the plus strand (G>A on the coding strand, the complement: FASN is on the minus strand). VCF-style: chr17-82084122-C-T. GRCh37 (hg19) VCF-style: chr17-80041998-C-T.
Other names: short protein forms V1651I.
Identifiers: ClinVar variation 2513549 (VCV002513549.3), dbSNP rs368876740, ClinGen allele CA8851878.